The following is an entry in ClinVar:

ClinVar aggregate classification (germline): Uncertain significance (1 of 4 stars; one submission).

Submission:

GeneDx
Classification: Uncertain significance. Last evaluated: 2021-01-14. Review status: criteria provided, single submitter. Criteria: GeneDx Variant Classification Process June 2021. Collection method: clinical testing. Allele origin: germline. Affected: yes.
Comment: Not observed in large population cohorts (Lek et al., 2016); In silico analysis supports that this missense variant has a deleterious effect on protein structure/function; Has not been previously published as pathogenic or benign to our knowledge

NM_001378969.1(KCND3):c.785T>G (p.Ile262Ser)

Gene: KCND3 (potassium voltage-gated channel subfamily D member 3; minus strand). Cytogenetic location: 1p13.2.
Variant type: single nucleotide variant.
Coding change: c.785T>G on transcript NM_001378969.1 (MANE Select); coding-DNA position 785, T replaced by G.
Protein change: p.Ile262Ser; replaces isoleucine 262 with serine.
Molecular consequence: missense variant.
Genome position (GRCh38, 1-based): chr1:111,981,942, A>C on the plus strand (T>G on the coding strand, the complement: KCND3 is on the minus strand). VCF-style: chr1-111981942-A-C. GRCh37 (hg19) VCF-style: chr1-112524564-A-C.
Other names: c.785T>G, p.Ile262Ser (NM_001378970.1, NM_004980.5, NM_172198.3); short protein forms I262S.
Identifiers: ClinVar variation 1317441 (VCV001317441.2), dbSNP rs2101996073, ClinGen allele CA341821365.
Genomic context (GRCh38, chr1:111,981,942, plus strand): 5'-ACGTCCTCGTTGTTGGTCATGACCAGACCGATGTAGTAGGGCATGATGGCCACCACGTCG[A>C]TGATGCTCATGACGCTGCGGATGAAGCGGTAGCGGCTGGGAGCCGCGAAGAGCCGCAGGA-3'
Protein context (NP_001365898.1, residues 252-272): YRFIRSVMSI[Ile262Ser]DVVAIMPYYI